The following is an entry in ClinVar:

NM_052947.4(ALPK2):c.632T>C (p.Ile211Thr)

Gene: ALPK2 (alpha kinase 2; minus strand). Cytogenetic location: 18q21.31.
Variant type: single nucleotide variant.
Coding change: c.632T>C on transcript NM_052947.4 (MANE Select); coding-DNA position 632, T replaced by C.
Protein change: p.Ile211Thr; replaces isoleucine 211 with threonine.
Molecular consequence: missense variant.
Genome position (GRCh38, 1-based): chr18:58,580,144, A>G on the plus strand (T>C on the coding strand, the complement: ALPK2 is on the minus strand). VCF-style: chr18-58580144-A-G. GRCh37 (hg19) VCF-style: chr18-56247376-A-G.
Other names: short protein forms I211T.
Identifiers: ClinVar variation 1752899 (VCV001752899.3), dbSNP rs2518900016, ClinGen allele CA402567555.

ClinVar aggregate classification (germline): Uncertain significance (1 of 4 stars; one submission).

Submission:

Ambry Genetics
Classification: Uncertain significance. Last evaluated: 2024-04-24. Review status: criteria provided, single submitter. Criteria: Ambry Variant Classification Scheme 2023. Collection method: clinical testing. Allele origin: germline.
Comment: The p.I211T variant (also known as c.632T>C), located in coding exon 3 of the ALPK2 gene, results from a T to C substitution at nucleotide position 632. The isoleucine at codon 211 is replaced by threonine, an amino acid with similar properties. This amino acid position is conserved. In addition, this alteration is predicted to be tolerated by in silico analysis. Since supporting evidence is limited at this time, the clinical significance of this alteration remains unclear.